The following is an entry in ClinVar:

ClinVar aggregate classification (germline): Uncertain significance. Review status: criteria provided, multiple submitters, no conflicts (2 of 4 stars). 2 submissions from 2 submitters: Uncertain significance (2). Last evaluated 2021-10-08.

Submissions (2):

Blueprint Genetics
Classification: Uncertain significance. Last evaluated: 2021-10-08. Review status: criteria provided, single submitter. Criteria: ACMG Guidelines, 2015. Collection method: clinical testing. Allele origin: germline.

Labcorp Genetics (formerly Invitae), Labcorp
Classification: Uncertain significance. Last evaluated: 2019-08-20. Review status: criteria provided, single submitter. Criteria: Invitae Variant Classification Sherloc (09022015). Collection method: clinical testing. Allele origin: germline.
Comment: This variant has not been reported in the literature in individuals with VCAN-related conditions. In summary, the available evidence is currently insufficient to determine the role of this variant in disease. Therefore, it has been classified as a Variant of Uncertain Significance. Experimental studies and prediction algorithms are not available or were not evaluated for this variant, and the functional significance of this variant is currently unknown. This variant is not present in population databases (ExAC no frequency). This variant, c.3367_3369del, results in the deletion of 1 amino acid of the VCAN protein (p.Thr1123del) but otherwise preserves the integrity of the reading frame.

NM_004385.5(VCAN):c.3367_3369del (p.Thr1123del)

Gene: VCAN (versican; plus strand). Cytogenetic location: 5q14.3.
Variant type: Deletion.
Coding change: c.3367_3369del on transcript NM_004385.5 (MANE Select); coding-DNA positions 3367 to 3369, 3 bases deleted (ACA; older notation c.3367_3369delACA).
Protein change: p.Thr1123del; deletes threonine 1123.
Molecular consequence: inframe deletion. On other transcripts: intron variant (2).
Genome position (GRCh38, 1-based): chr5:83,521,673-83,521,675, ACA deleted; deleting any 3 consecutive bases within chr5:83,521,672-83,521,675 gives the same sequence; the c. name uses the placement nearest the transcript's 3' end. VCF-style (leftmost placement, unchanged base first): chr5-83521671-TAAC-T. GRCh37 (hg19) VCF-style: chr5-82817490-TAAC-T.
Other names: c.3367_3369del, p.Thr1123del (NM_001164098.2); c.1042+9277_1042+9279del (NM_001164097.2, NM_001126336.3); short protein forms T1123del.
Identifiers: ClinVar variation 964362 (VCV000964362.10), dbSNP rs1400827329, ClinGen allele CA814680277.